The following is an entry in ClinVar:

NM_032043.3(BRIP1):c.1177G>C (p.Asp393His)

Gene: BRIP1 (BRCA1 interacting DNA helicase 1; minus strand). Cytogenetic location: 17q23.2.
Variant type: single nucleotide variant.
Coding change: c.1177G>C on transcript NM_032043.3 (MANE Select); coding-DNA position 1177, G replaced by C.
Protein change: p.Asp393His; replaces aspartic acid 393 with histidine.
Molecular consequence: missense variant.
Genome position (GRCh38, 1-based): chr17:61,799,263, C>G on the plus strand (G>C on the coding strand, the complement: BRIP1 is on the minus strand). VCF-style: chr17-61799263-C-G. GRCh37 (hg19) VCF-style: chr17-59876624-C-G.
Other names: short protein forms D393H.
Identifiers: ClinVar variation 530289 (VCV000530289.9), dbSNP rs1555607200, ClinGen allele CA400483757.
Genomic context (GRCh38, chr17:61,799,263, plus strand): 5'-CTTCTGTTACACTGTAACTTGCTGATTCCCGAGCACAGTCCTCGATGTTATGAGCTTCAT[C>G]TAAAATGACAACCTGTTCTTTCAGATTTAAATCCATCTATAAGATAAAAGAATTTTCTTG-3'
Protein context (NP_114432.2, residues 383-403): LNLKEQVVIL[Asp393His]EAHNIEDCAR

ClinVar aggregate classification (germline): Uncertain significance (1 of 4 stars; one submission).

Conditions:
Fanconi anemia complementation group J. Also called: BRIP1-Related Fanconi Anemia. Identifiers: Orphanet 84, MedGen C1836860, MONDO:0012187, OMIM 609054.
Familial cancer of breast. Also called: BREAST CANCER, FAMILIAL; hereditary breast carcinoma; Hereditary breast cancer. Identifiers: Orphanet 227535, MedGen C0346153, MONDO:0016419, OMIM 114480. Disease mechanism: loss of function.

Submission:

Labcorp Genetics (formerly Invitae), Labcorp
Classification: Uncertain significance for Familial cancer of breast; Fanconi anemia complementation group J. Last evaluated: 2017-09-27. Review status: criteria provided, single submitter. Criteria: Invitae Variant Classification Sherloc (09022015). Collection method: clinical testing. Allele origin: germline.
Comment: This sequence change replaces aspartic acid with histidine at codon 393 of the BRIP1 protein (p.Asp393His). The aspartic acid residue is highly conserved and there is a moderate physicochemical difference between aspartic acid and histidine. This variant is not present in population databases (ExAC no frequency). This variant has not been reported in the literature in individuals with BRIP1-related disease. Algorithms developed to predict the effect of missense changes on protein structure and function (SIFT, PolyPhen-2, Align-GVGD) all suggest that this variant is likely to be disruptive, but these predictions have not been confirmed by published functional studies and their clinical significance is uncertain. In summary, the available evidence is currently insufficient to determine the role of this variant in disease. Therefore, it has been classified as a Variant of Uncertain Significance.